The following is an entry in ClinVar:

ClinVar aggregate classification (germline): Uncertain significance (1 of 4 stars; one submission).

Conditions:
Juvenile polyposis syndrome (JPS). Identifiers: Orphanet 2929, MedGen C0345893, MONDO:0017380, OMIM 174900.

Submission:

Labcorp Genetics (formerly Invitae), Labcorp
Classification: Uncertain significance for Juvenile polyposis syndrome. Last evaluated: 2022-12-22. Review status: criteria provided, single submitter. Criteria: Invitae Variant Classification Sherloc (09022015). Collection method: clinical testing. Allele origin: germline.
Comment: ClinVar contains an entry for this variant (Variation ID: 1721280). This variant has not been reported in the literature in individuals affected with SMAD4-related conditions. This variant is not present in population databases (gnomAD no frequency). This sequence change replaces alanine, which is neutral and non-polar, with threonine, which is neutral and polar, at codon 458 of the SMAD4 protein (p.Ala458Thr). Advanced modeling of protein sequence and biophysical properties (such as structural, functional, and spatial information, amino acid conservation, physicochemical variation, residue mobility, and thermodynamic stability) has been performed at Invitae for this missense variant, however the output from this modeling did not meet the statistical confidence thresholds required to predict the impact of this variant on SMAD4 protein function. In summary, the available evidence is currently insufficient to determine the role of this variant in disease. Therefore, it has been classified as a Variant of Uncertain Significance.

NM_005359.6(SMAD4):c.1372G>A (p.Ala458Thr)

Gene: SMAD4 (SMAD family member 4; plus strand). Cytogenetic location: 18q21.2.
Variant type: single nucleotide variant.
Coding change: c.1372G>A on transcript NM_005359.6 (MANE Select); coding-DNA position 1372, G replaced by A.
Protein change: p.Ala458Thr; replaces alanine 458 with threonine.
Molecular consequence: missense variant.
Genome position (GRCh38, 1-based): chr18:51,076,701, G>A. VCF-style: chr18-51076701-G-A. GRCh37 (hg19) VCF-style: chr18-48603071-G-A.
Other names: c.1372G>A, p.Ala458Thr (NM_001407041.1, NM_001407042.1); short protein forms A458T.
Identifiers: ClinVar variation 1721280 (VCV001721280.5), dbSNP rs2144474063, ClinGen allele CA402465243.